The following is an entry in ClinVar:

ClinVar aggregate classification (germline): Uncertain significance. Review status: criteria provided, multiple submitters, no conflicts (2 of 4 stars). 4 submissions from 4 submitters: Uncertain significance (3). 1 of the submissions does not count toward it. Last evaluated 2025-11-03.

Conditions:
MAGEL2-related disorder. Also called: MAGEL2-related condition.
Inborn genetic diseases. Identifiers: MedGen C0950123, MeSH D030342.

Allele frequency attached by ClinVar (database versions not stated): gnomAD exomes 0.00001; gnomAD 0.00002; TOPMed 0.00003.

Submissions (4):

Labcorp Genetics (formerly Invitae), Labcorp
Classification: Uncertain significance. Last evaluated: 2025-11-03. Review status: criteria provided, single submitter. Criteria: Invitae Variant Classification Sherloc (09022015). Collection method: clinical testing. Allele origin: germline.
Comment: This sequence change replaces arginine, which is basic and polar, with histidine, which is basic and polar, at codon 466 of the MAGEL2 protein (p.Arg466His). This variant is not present in population databases (gnomAD no frequency). This variant has not been reported in the literature in individuals affected with MAGEL2-related conditions. ClinVar contains an entry for this variant (Variation ID: 1962578). Experimental studies and prediction algorithms are not available or were not evaluated, and the functional significance of this variant is currently unknown. In summary, the available evidence is currently insufficient to determine the role of this variant in disease. Therefore, it has been classified as a Variant of Uncertain Significance.

Blueprint Genetics
Classification: Uncertain significance. Last evaluated: 2023-12-18. Review status: criteria provided, single submitter. Criteria: ACMG Guidelines, 2015. Collection method: clinical testing. Allele origin: germline.

Ambry Genetics
Classification: Uncertain significance for Inborn genetic diseases. Last evaluated: 2022-12-19. Review status: criteria provided, single submitter. Criteria: Ambry Variant Classification Scheme 2023. Collection method: clinical testing. Allele origin: germline.

PreventionGenetics, part of Exact Sciences
Classification: Uncertain significance for MAGEL2-related condition. Last evaluated: 2024-05-07. Review status: no assertion criteria provided. Collection method: clinical testing. Allele origin: germline. Not counted in ClinVar's aggregate classification.
Comment: The MAGEL2 c.1397G>A variant is predicted to result in the amino acid substitution p.Arg466His. To our knowledge, this variant has not been reported in the literature or in gnomAD, indicating this variant is rare. At this time, the clinical significance of this variant is uncertain due to the absence of conclusive functional and genetic evidence.

NM_019066.5(MAGEL2):c.1397G>A (p.Arg466His)

Gene: MAGEL2 (MAGE family member L2; minus strand). Cytogenetic location: 15q11.2.
Variant type: single nucleotide variant.
Coding change: c.1397G>A on transcript NM_019066.5 (MANE Select); coding-DNA position 1397, G replaced by A.
Protein change: p.Arg466His; replaces arginine 466 with histidine.
Molecular consequence: missense variant.
Genome position (GRCh38, 1-based): chr15:23,646,346, C>T on the plus strand (G>A on the coding strand, the complement: MAGEL2 is on the minus strand). VCF-style: chr15-23646346-C-T. GRCh37 (hg19) VCF-style: chr15-23891493-C-T.
Other names: short protein forms R466H.
Identifiers: ClinVar variation 1962578 (VCV001962578.7), dbSNP rs1434042689, ClinGen allele CA391334144.